The following is an entry in ClinVar:

ClinVar aggregate classification (germline): Pathogenic (1 of 4 stars; one submission).

Submission:

Ambry Genetics
Classification: Pathogenic. Last evaluated: 2025-06-24. Review status: criteria provided, single submitter. Criteria: Ambry Variant Classification Scheme 2023. Collection method: clinical testing. Allele origin: germline.
Comment: The c.143_144delTC pathogenic mutation, located in coding exon 3 of the RPS20 gene, results from a deletion of two nucleotides at nucleotide positions 143 to 144, causing a translational frameshift with a predicted alternate stop codon (p.L48Qfs*24). This alteration occurs at the 3' terminus of the RPS20 gene, is not expected to trigger nonsense-mediated mRNA decay, and impacts the last 60.5% of the protein. However, premature stop codons are typically deleterious in nature and a significant portion of the protein is affected (Ambry internal data). This variant is considered to be rare based on population cohorts in the Genome Aggregation Database (gnomAD). Based on the supporting evidence, this variant is interpreted as a disease-causing mutation.

NM_001023.4(RPS20):c.143_144del (p.Leu48fs)

Gene: RPS20 (ribosomal protein S20; minus strand). Cytogenetic location: 8q12.1.
Variant type: Microsatellite.
Coding change: c.143_144del on transcript NM_001023.4 (MANE Select); coding-DNA positions 143 to 144, 2 bases deleted (TC; older notation c.143_144delTC).
Protein change: p.Leu48fs; shifts the reading frame from leucine 48.
Molecular consequence: frameshift variant.
Genome position (GRCh38, 1-based): chr8:56,073,728-56,073,729, GA deleted on the plus strand (TC on the coding strand, the reverse complement: RPS20 is on the minus strand); deleting any 2 consecutive bases within chr8:56,073,728-56,073,731 gives the same sequence; the c. name uses the placement nearest the transcript's 3' end. VCF-style (leftmost placement, unchanged base first): chr8-56073727-TGA-T. GRCh37 (hg19) VCF-style: chr8-56986286-TGA-T.
Other names: c.143_144del, p.Leu48fs (NM_001146227.3); short protein forms L48fs.
Identifiers: ClinVar variation 3232367 (VCV003232367.2), dbSNP rs2486983976, ClinGen allele CA2825001590.
Genomic context (GRCh38, chr8:56,073,727, plus strand): 5'-TACTTCCTGCCCCTCCGATTTACTTTACCTTGGTAGGCATTCGAACTGGTCCTTTCACTT[TGA>T]GATTCTTTTCTTTTGCGCCTCTTATCAAGTCAGCACACACTACAGGAAATAAAAGACCTC-3'